The following is an entry in ClinVar:

ClinVar aggregate classification (germline): Conflicting classifications of pathogenicity. Review status: criteria provided, conflicting classifications (1 of 4 stars). 2 submissions from 2 submitters: Uncertain significance (1); Benign (1). Last evaluated 2026-02-10.

Conditions:
GABBR2-related disorder. Also called: GABBR2-related condition; GABBR2-related disorders.
Epileptic encephalopathy. Identifiers: MedGen C0543888, HP:0200134.

Allele frequency attached by ClinVar (database versions not stated): ExAC 0.00006; TOPMed 0.00002; gnomAD exomes 0.00003.
gnomAD v4.1: 38 of 1,447,654 alleles (0.0026%); highest among the groups gnomAD compares: African/African-American, 0.0089%; no homozygotes.

Submissions (2):

PreventionGenetics, part of Exact Sciences
Classification: Uncertain significance for GABBR2-related condition. Last evaluated: 2026-02-10. Review status: criteria provided, single submitter. Criteria: ACMG Guidelines, 2015. Collection method: clinical testing. Allele origin: germline.
Comment: The GABBR2 c.2767G>A variant is predicted to result in the amino acid substitution p.Ala923Thr. To our knowledge, this variant has not been reported in the literature. This variant is reported in 0.015% of alleles in individuals of East Asian descent in gnomAD. At this time, the clinical significance of this variant is uncertain due to the absence of conclusive functional and genetic evidence.

Labcorp Genetics (formerly Invitae), Labcorp
Classification: Benign for Epileptic encephalopathy. Last evaluated: 2025-07-30. Review status: criteria provided, single submitter. Criteria: Invitae Variant Classification Sherloc (09022015). Collection method: clinical testing. Allele origin: germline.

NM_005458.8(GABBR2):c.2767G>A (p.Ala923Thr)

Gene: GABBR2 (gamma-aminobutyric acid type B receptor subunit 2; minus strand). Cytogenetic location: 9q22.33.
Variant type: single nucleotide variant.
Coding change: c.2767G>A on transcript NM_005458.8 (MANE Select); coding-DNA position 2767, G replaced by A.
Protein change: p.Ala923Thr; replaces alanine 923 with threonine.
Molecular consequence: missense variant.
Genome position (GRCh38, 1-based): chr9:98,290,643, C>T on the plus strand (G>A on the coding strand, the complement: GABBR2 is on the minus strand). VCF-style: chr9-98290643-C-T. GRCh37 (hg19) VCF-style: chr9-101052925-C-T.
Other names: short protein forms A923T.
Identifiers: ClinVar variation 531002 (VCV000531002.11), dbSNP rs758345055, ClinGen allele CA5152368.